The following is an entry in ClinVar:

ClinVar aggregate classification (germline): Uncertain significance (1 of 4 stars; one submission).

Submission:

CeGaT Center for Human Genetics Tuebingen
Classification: Uncertain significance. Last evaluated: 2022-03-01. Review status: criteria provided, single submitter. Criteria: CeGaT Center For Human Genetics Tuebingen Variant Classification Criteria Version 2. Collection method: clinical testing. Allele origin: germline. Affected: yes. Observed: 1 variant allele.
Comment: TTN: PM2, BP4

NM_001267550.2(TTN):c.49514T>C (p.Val16505Ala)

Genes: TTN (titin; minus strand), TTN-AS1 (TTN antisense RNA 1; plus strand). Cytogenetic location: 2q31.2.
Variant type: single nucleotide variant.
Coding change: c.49514T>C on transcript NM_001267550.2 (MANE Select); coding-DNA position 49514, T replaced by C.
Protein change: p.Val16505Ala; replaces valine 16505 with alanine.
Molecular consequence: missense variant.
Genome position (GRCh38, 1-based): chr2:178,613,769, A>G on the plus strand (T>C on the coding strand, the complement: TTN is on the minus strand). VCF-style: chr2-178613769-A-G. GRCh37 (hg19) VCF-style: chr2-179478496-A-G.
Other names: c.44591T>C, p.Val14864Ala (NM_001256850.1); c.22319T>C, p.Val7440Ala (NM_003319.4); c.41810T>C, p.Val13937Ala (NM_133378.4); c.22694T>C, p.Val7565Ala (NM_133432.3); c.22895T>C, p.Val7632Ala (NM_133437.4); short protein forms V13937A, V14864A, V16505A, V7440A, V7565A, V7632A.
Identifiers: ClinVar variation 2651636 (VCV002651636.24), dbSNP rs2470621292, ClinGen allele CA349604226.